The following is an entry in ClinVar:

NM_004807.3(HS6ST1):c.892C>T (p.Arg298Cys)

Gene: HS6ST1 (heparan sulfate 6-O-sulfotransferase 1; minus strand). Cytogenetic location: 2q14.3.
Variant type: single nucleotide variant.
Coding change: c.892C>T on transcript NM_004807.3 (MANE Select); coding-DNA position 892, C replaced by T.
Protein change: p.Arg298Cys; replaces arginine 298 with cysteine.
Molecular consequence: missense variant.
Genome position (GRCh38, 1-based): chr2:128,268,506, G>A on the plus strand (C>T on the coding strand, the complement: HS6ST1 is on the minus strand). VCF-style: chr2-128268506-G-A. GRCh37 (hg19) VCF-style: chr2-129026080-G-A.
Other names: c.892C>T (NM_004807.2); short protein forms R298C.
Identifiers: ClinVar variation 3626017 (VCV003626017.3).

ClinVar aggregate classification (germline): Uncertain significance. Review status: criteria provided, multiple submitters, no conflicts (2 of 4 stars). 2 submissions from 2 submitters: Uncertain significance (2). Last evaluated 2025-08-04.

Submissions (2):

Ambry Genetics
Classification: Uncertain significance. Last evaluated: 2025-08-04. Review status: criteria provided, single submitter. Criteria: Ambry Variant Classification Scheme 2023. Collection method: clinical testing. Allele origin: germline.

Labcorp Genetics (formerly Invitae), Labcorp
Classification: Uncertain significance. Last evaluated: 2024-06-19. Review status: criteria provided, single submitter. Criteria: Invitae Variant Classification Sherloc (09022015). Collection method: clinical testing. Allele origin: germline.
Comment: This sequence change replaces arginine, which is basic and polar, with cysteine, which is neutral and slightly polar, at codon 298 of the HS6ST1 protein (p.Arg298Cys). This variant is present in population databases (rs371915213, gnomAD 0.01%). This variant has not been reported in the literature in individuals affected with HS6ST1-related conditions. Advanced modeling of protein sequence and biophysical properties (such as structural, functional, and spatial information, amino acid conservation, physicochemical variation, residue mobility, and thermodynamic stability) performed at Invitae indicates that this missense variant is not expected to disrupt HS6ST1 protein function with a negative predictive value of 80%. In summary, the available evidence is currently insufficient to determine the role of this variant in disease. Therefore, it has been classified as a Variant of Uncertain Significance.